The following is an entry in ClinVar:

ClinVar aggregate classification (germline): Uncertain significance (1 of 4 stars; one submission).

Conditions:
Primary dilated cardiomyopathy (DCM). Also called: Dilated Cardiomyopathy. Identifiers: Orphanet 217604, MedGen C0007193, MeSH D002311, MONDO:0005021, HP:0001644. Inheritance: Various modes of inheritance.

Submission:

Labcorp Genetics (formerly Invitae), Labcorp
Classification: Uncertain significance for Primary dilated cardiomyopathy. Last evaluated: 2021-06-21. Review status: criteria provided, single submitter. Criteria: Invitae Variant Classification Sherloc (09022015). Collection method: clinical testing. Allele origin: germline.
Comment: In summary, the available evidence is currently insufficient to determine the role of this variant in disease. Therefore, it has been classified as a Variant of Uncertain Significance. Algorithms developed to predict the effect of missense changes on protein structure and function output the following: SIFT: "Tolerated"; PolyPhen-2: "Benign"; Align-GVGD: "Class C0". The serine amino acid residue is found in multiple mammalian species, suggesting that this missense change does not adversely affect protein function. These predictions have not been confirmed by published functional studies and their clinical significance is uncertain. This variant has not been reported in the literature in individuals with NEBL-related conditions. This variant is not present in population databases (ExAC no frequency). This sequence change replaces alanine with serine at codon 664 of the NEBL protein (p.Ala664Ser). The alanine residue is moderately conserved and there is a moderate physicochemical difference between alanine and serine.

NM_006393.3(NEBL):c.1990G>T (p.Ala664Ser)

Gene: NEBL (nebulette; minus strand). Cytogenetic location: 10p12.31.
Variant type: single nucleotide variant.
Coding change: c.1990G>T on transcript NM_006393.3 (MANE Select); coding-DNA position 1990, G replaced by T.
Protein change: p.Ala664Ser; replaces alanine 664 with serine.
Molecular consequence: missense variant. On other transcripts: intron variant (9).
Genome position (GRCh38, 1-based): chr10:20,819,489, C>A on the plus strand (G>T on the coding strand, the complement: NEBL is on the minus strand). VCF-style: chr10-20819489-C-A. GRCh37 (hg19) VCF-style: chr10-21108418-C-A.
Other names: c.250-6549G>T (NM_001377326.1, NM_001377327.1, NM_001377328.1); c.358-6549G>T (NM_213569.2, NM_001173484.2, NM_001377322.1); c.301-6549G>T (NM_001377324.1); c.292-6549G>T (NM_001377325.1); c.310-6549G>T (NM_001377323.1); short protein forms A664S.
Identifiers: ClinVar variation 1430986 (VCV001430986.8), dbSNP rs2130827997, ClinGen allele CA376094361.